The following is an entry in ClinVar:

NM_000475.5(NR0B1):c.1042del (p.Glu348fs)

Gene: NR0B1 (nuclear receptor subfamily 0 group B member 1; minus strand). Cytogenetic location: Xp21.2.
Variant type: Deletion.
Coding change: c.1042del on transcript NM_000475.5 (MANE Select); coding-DNA position 1042, one base deleted (G; older notation c.1042delG).
Protein change: p.Glu348fs; shifts the reading frame from glutamic acid 348.
Molecular consequence: frameshift variant.
Genome position (GRCh38, 1-based): chrX:30,308,322, C deleted on the plus strand (G on the coding strand, the reverse complement: NR0B1 is on the minus strand); the first of 2 consecutive C bases (chrX:30,308,322-30,308,323); deleting either gives the same sequence. VCF-style (leftmost placement, unchanged base first): chrX-30308321-TC-T. GRCh37 (hg19) VCF-style: chrX-30326438-TC-T.
Other names: short protein forms E348fs.
Identifiers: ClinVar variation 836245 (VCV000836245.1), dbSNP rs1926563553, ClinGen allele CA916083874.

ClinVar aggregate classification (germline): Pathogenic (1 of 4 stars; one submission).

Conditions:
Congenital adrenal hypoplasia, X-linked (AHC). Also called: Isolated X-Linked Adrenal Hypoplasia Congenita; ADRENAL HYPOPLASIA, CONGENITAL, WITH HYPOGONADOTROPIC HYPOGONADISM; X-Linked Adrenal Hypoplasia Congenita; X-linked AHC. Identifiers: Orphanet 95702, MedGen C0342482, MONDO:0010264, OMIM 300200. Disease mechanism: loss of function.
46,XY sex reversal 2. Also called: 46XY sex reversal 2, dosage-sensitive; Dosage-sensitive sex reversal; NR0B1-Related 46,XY CGD; NR0B1-related 46,XY complete gonadal dysgenesis; 46,XY SEX REVERSAL, DAX1-RELATED. Identifiers: MedGen C1848296, MONDO:0010226, OMIM 300018.

Submission:

Labcorp Genetics (formerly Invitae), Labcorp
Classification: Pathogenic for Congenital adrenal hypoplasia, X-linked; 46,XY sex reversal, type 2. Last evaluated: 2019-03-26. Review status: criteria provided, single submitter. Criteria: Invitae Variant Classification Sherloc (09022015). Collection method: clinical testing. Allele origin: germline.
Comment: This sequence change creates a premature translational stop signal (p.Glu348Argfs*24) in the NR0B1 gene. It is expected to result in an absent or disrupted protein product. This variant is not present in population databases (ExAC no frequency). This variant has not been reported in the literature in individuals with NR0B1-related conditions. Loss-of-function variants in NR0B1 are known to be pathogenic (PMID: 7990958, 15841486). For these reasons, this variant has been classified as Pathogenic.